The following is an entry in ClinVar:

ClinVar aggregate classification (germline): Likely pathogenic (1 of 4 stars; one submission).

Conditions:
Epidermodysplasia verruciformis. Identifiers: Orphanet 302, MedGen C0014522, MONDO:0009176.

gnomAD v4.1: 7 of 1,613,952 alleles (0.00043%); highest among the groups gnomAD compares: Admixed American, 0.0017%; no homozygotes.

Submission:

Labcorp Genetics (formerly Invitae), Labcorp
Classification: Likely pathogenic for Epidermodysplasia verruciformis. Last evaluated: 2025-09-25. Review status: criteria provided, single submitter. Criteria: Invitae Variant Classification Sherloc (09022015). Collection method: clinical testing. Allele origin: germline.
Comment: This sequence change affects a donor splice site in intron 13 of the TMC6 gene. It is expected to disrupt RNA splicing. Variants that disrupt the donor or acceptor splice site typically lead to a loss of protein function (PMID: 16199547), and loss-of-function variants in TMC6 are known to be pathogenic (PMID: 15042430, 17139267). This variant is present in population databases (rs770263060, gnomAD 0.0009%). This variant has not been reported in the literature in individuals affected with TMC6-related conditions. Algorithms developed to predict the effect of sequence changes on RNA splicing suggest that this variant may disrupt the consensus splice site. In summary, the currently available evidence indicates that the variant is pathogenic, but additional data are needed to prove that conclusively. Therefore, this variant has been classified as Likely Pathogenic.

Literature cited by the submitters: PubMed 16199547; PubMed 15042430; PubMed 17139267.

NM_001127198.5(TMC6):c.1715+1G>A

Gene: TMC6 (transmembrane channel like 6; minus strand). Cytogenetic location: 17q25.3.
Variant type: single nucleotide variant.
Coding change: c.1715+1G>A on transcript NM_001127198.5 (MANE Select); the canonical splice donor site of the intron after coding-DNA position 1715, G replaced by A.
Molecular consequence: splice donor variant. On other transcripts: intron variant (2).
Genome position (GRCh38, 1-based): chr17:78,120,652, C>T on the plus strand (G>A on the coding strand, the complement: TMC6 is on the minus strand). VCF-style: chr17-78120652-C-T. GRCh37 (hg19) VCF-style: chr17-76116733-C-T.
Other names: c.1535+361G>A (NM_001374594.1, NM_001374593.1); c.1715+1G>A (NM_001374596.1, NM_007267.7, NM_001321185.1 and 2 more transcripts).
Identifiers: ClinVar variation 4750324 (VCV004750324.1).